The following is an entry in ClinVar:

NM_173560.4(RFX6):c.2234C>T (p.Ala745Val)

Gene: RFX6 (regulatory factor X6; plus strand). Cytogenetic location: 6q22.1.
Variant type: single nucleotide variant.
Coding change: c.2234C>T on transcript NM_173560.4 (MANE Select); coding-DNA position 2234, C replaced by T.
Protein change: p.Ala745Val; replaces alanine 745 with valine.
Molecular consequence: missense variant.
Genome position (GRCh38, 1-based): chr6:116,927,375, C>T. VCF-style: chr6-116927375-C-T. GRCh37 (hg19) VCF-style: chr6-117248538-C-T.
Other names: short protein forms A745V.
Identifiers: ClinVar variation 1917740 (VCV001917740.4), dbSNP rs567677630, ClinGen allele CA3973502.

ClinVar aggregate classification (germline): Uncertain significance (1 of 4 stars; one submission).

Allele frequency attached by ClinVar (database versions not stated): ExAC 0.00002; gnomAD exomes 0.00003; gnomAD 0.00006; TOPMed 0.00007.
gnomAD v4.1: 54 of 1,613,798 alleles (0.0033%); highest among the groups gnomAD compares: Non-Finnish European, 0.0036%; no homozygotes.

Submission:

Labcorp Genetics (formerly Invitae), Labcorp
Classification: Uncertain significance. Last evaluated: 2023-03-01. Review status: criteria provided, single submitter. Criteria: Invitae Variant Classification Sherloc (09022015). Collection method: clinical testing. Allele origin: germline.
Comment: In summary, the available evidence is currently insufficient to determine the role of this variant in disease. Therefore, it has been classified as a Variant of Uncertain Significance. Advanced modeling of protein sequence and biophysical properties (such as structural, functional, and spatial information, amino acid conservation, physicochemical variation, residue mobility, and thermodynamic stability) performed at Invitae indicates that this missense variant is not expected to disrupt RFX6 protein function. ClinVar contains an entry for this variant (Variation ID: 1917740). This variant has not been reported in the literature in individuals affected with RFX6-related conditions. This variant is present in population databases (rs567677630, gnomAD 0.01%). This sequence change replaces alanine, which is neutral and non-polar, with valine, which is neutral and non-polar, at codon 745 of the RFX6 protein (p.Ala745Val).